The following is an entry in ClinVar:

NM_000143.4(FH):c.1430_1437dup (p.Ser480fs)

Gene: FH (fumarate hydratase; minus strand). Cytogenetic location: 1q43.
Variant type: Duplication.
Coding change: c.1430_1437dup on transcript NM_000143.4 (MANE Select); coding-DNA positions 1430 to 1437, 8 bases duplicated (AAAATGGA; older notation c.1430_1437dupAAAATGGA).
Protein change: p.Ser480fs; shifts the reading frame from serine 480.
Molecular consequence: frameshift variant.
Genome position (GRCh38, 1-based): chr1:241,497,924-241,497,931, TCCATTTT duplicated on the plus strand (AAAATGGA on the coding strand, the reverse complement: FH is on the minus strand); duplicating any 8 consecutive bases within chr1:241,497,924-241,497,932 gives the same sequence; the c. name uses the placement nearest the transcript's 3' end. VCF-style (leftmost placement, unchanged base first): chr1-241497923-A-ATCCATTTT. GRCh37 (hg19) VCF-style: chr1-241661223-A-ATCCATTTT.
Other names: c.1430_1437dupAAAATGGA (NM_000143.3); short protein forms S480fs.
Identifiers: ClinVar variation 214407 (VCV000214407.13), dbSNP rs863223994, ClinGen allele CA323758.

ClinVar aggregate classification (germline): Pathogenic. Review status: criteria provided, multiple submitters, no conflicts (2 of 4 stars). 4 submissions from 4 submitters: Pathogenic (4). Last evaluated 2026-09-18.

Conditions:
FH-related disorder. Also called: FH-related condition; FH-related disorders.
Hereditary leiomyomatosis and renal cell cancer. Also called: LEIOMYOMA, MULTIPLE CUTANEOUS; FH tumor predisposition syndrome; Multiple cutaneous leiomyomas; MULTIPLE CUTANEOUS AND UTERINE LEIOMYOMATA 1, WITH OR WITHOUT RENAL CELL CARCINOMA; Familial leiomyomatosis; Reed syndrome. Identifiers: Orphanet 523, MedGen C1708350, MONDO:0007888, OMIM 150800, HP:0007437. Disease mechanism: loss of function.

Submissions (4):

Myriad Genetics, Inc.
Classification: Pathogenic for Hereditary leiomyomatosis and renal cell cancer. Last evaluated: 2026-09-18. Review status: criteria provided, single submitter. Criteria: Myriad Autosomal Dominant, Autosomal Recessive and X-Linked Classification Criteria (2023). Collection method: clinical testing. Allele origin: unknown.
Comment: This variant is considered pathogenic. This variant creates a frameshift predicted to result in premature protein truncation.

Labcorp Genetics (formerly Invitae), Labcorp
Classification: Pathogenic. Last evaluated: 2025-08-30. Review status: criteria provided, single submitter. Criteria: Invitae Variant Classification Sherloc (09022015). Collection method: clinical testing. Allele origin: germline.
Comment: This sequence change creates a premature translational stop signal (p.Ser480Lysfs*6) in the FH gene. While this is not anticipated to result in nonsense mediated decay, it is expected to disrupt the last 31 amino acid(s) of the FH protein. This variant is not present in population databases (gnomAD no frequency). This premature translational stop signal has been observed in individuals with hereditary leiomyomatosis and renal cell cancer (HLRCC) (PMID: 12772087; internal data). This variant is also known as 1300–1307dup8. ClinVar contains an entry for this variant (Variation ID: 214407). This variant disrupts a region of the FH protein in which other variant(s) (p.Trp500*) have been determined to be pathogenic (PMID: 9635293). This suggests that this is a clinically significant region of the protein, and that variants that disrupt it are likely to be disease-causing. For these reasons, this variant has been classified as Pathogenic.

Blueprint Genetics
Classification: Pathogenic for FH-related disorders. Last evaluated: 2019-12-30. Review status: criteria provided, single submitter. Criteria: ACMG Guidelines, 2015. Collection method: clinical testing. Allele origin: germline. Affected: yes. Observed: 1 variant allele.

GeneDx
Classification: Pathogenic. Last evaluated: 2019-10-31. Review status: criteria provided, single submitter. Criteria: GeneDx Variant Classification Process June 2021. Collection method: clinical testing. Allele origin: germline. Affected: yes.
Comment: Not observed in large population cohorts (Lek et al., 2016); This variant is associated with the following publications: (PMID: 12772087, 29423582)

Literature cited by the submitters: PubMed 12772087 (cited by Labcorp Genetics (formerly Invitae), Labcorp); PubMed 9635293 (cited by Labcorp Genetics (formerly Invitae), Labcorp).